The following continues an entry in ClinVar:

NM_000441.2(SLC26A4):c.1198del (p.Cys400fs)

Gene: SLC26A4. ClinVar aggregate classification (germline): Pathogenic. Pathogenic (19).

Submissions 15 to 26 of 26:

Women's Health and Genetics/Laboratory Corporation of America, LabCorp
Classification: Pathogenic for Pendred syndrome. Last evaluated: 2023-01-06. Review status: criteria provided, single submitter. Criteria: LabCorp Variant Classification Summary - May 2015. Collection method: clinical testing. Allele origin: germline.
Comment: Variant summary: SLC26A4 c.1198delT (p.Cys400ValfsX32) results in a premature termination codon, predicted to cause a truncation of the encoded protein or absence of the protein due to nonsense mediated decay, which are commonly known mechanisms for disease. Truncations downstream of this position have been classified as pathogenic by our laboratory. The variant allele was found at a frequency of 2.8e-05 in 251038 control chromosomes. c.1198delT has been reported in the literature in multiple individuals affected with Pendred Syndrome (Ladsous_2014, Everett_1997, Lofrano-Porto_2008). These data indicate that the variant is very likely to be associated with disease. To our knowledge, no experimental evidence demonstrating an impact on protein function has been reported. 11 clinical diagnostic laboratories have submitted clinical-significance assessments for this variant to ClinVar after 2014 without evidence for independent evaluation. All laboratories classified the variant as pathogenic. Based on the evidence outlined above, the variant was classified as pathogenic.

Laboratory for Molecular Medicine, Mass General Brigham Personalized Medicine
Classification: Pathogenic for Rare genetic deafness. Last evaluated: 2022-06-30. Review status: criteria provided, single submitter. Criteria: ACMG Guidelines, 2015. Collection method: clinical testing. Allele origin: germline. Inheritance: Autosomal recessive inheritance.
Comment: The p.Cys400fs variant in SLC26A4 has been reported in the homozygous or compound heterozygous state in six individuals with hearing loss or Pendred syndrome (Van Hauwe 1998 PMID 9618166, Fugazzola 2000 PMID 10902795 (reported as 1421delT), Everett 1997 PMID 9398842, Lopez-Bigas 2001 PMID 11748854 (reported as 1197delT), Chen 2011 PMID 21704276). The variant has been identified in 3/111286 European chromosomes, 2/33560 Latino chromosomes, and 1/30782 South Asian chromosomes by the Genome Aggregation Database (gnomAD; dbSNP rs760012666); such low frequencies in the general population are consistent with the carrier frequency for recessive hearing loss. This frameshift variant is predicted to alter the protein’s amino acid sequence beginning at codon 400 and lead to a premature termination codon 32 amino acids downstream. This alteration is then predicted to lead to a truncated or absent protein. In summary, this variant meets criteria to be classified as pathogenic for autosomal recessive hearing loss with enlarged vestibular aqueducts or Pendred syndrome. ACMG/AMP criteria applied: PVS1, PM3_VeryStrong, PM2_Supporting.

Genome-Nilou Lab
Classification: Pathogenic for Pendred syndrome. Last evaluated: 2021-07-22. Review status: criteria provided, single submitter. Criteria: ACMG Guidelines, 2015. Collection method: clinical testing. Allele origin: germline. Affected: no.

King Laboratory, University of Washington
Classification: Pathogenic for Autosomal recessive nonsyndromic hearing loss 4. Last evaluated: 2020-08-01. Review status: criteria provided, single submitter. Criteria: Abu Rayyan A et al. (Proc Natl Acad Sci U S A 2020). Collection method: research. Allele origin: germline. Affected: yes.
Comment: SLC26A4 c.1198delT leads to a stop at codon 432. It is homozygous in 11 children from 3 Palestinian families with severe pre-lingual hearing loss (Abu Rayyan 2020). It is absent from 1300 Palestinian controls and from gnomAD v2.1.1.

Kariminejad - Najmabadi Pathology & Genetics Center
Classification: Pathogenic for Pendred syndrome. Review status: criteria provided, single submitter. Criteria: ACMG Guidelines, 2015. Collection method: clinical testing. Allele origin: germline. Affected: no.

Biochemical Molecular Genetic Laboratory, King Abdulaziz Medical City
Classification: Pathogenic for Pendred syndrome. Last evaluated: 2020-02-05. Review status: no assertion criteria provided. Collection method: clinical testing. Allele origin: germline. Affected: yes. Not counted in ClinVar's aggregate classification.

Hereditary Research Laboratory, Bethlehem University
Classification: Pathogenic for Pendred syndrome. Last evaluated: 2016-06-04. Review status: no assertion criteria provided. Collection method: research. Allele origin: germline. Affected: yes. Not counted in ClinVar's aggregate classification.

Laboratory of Prof. Karen Avraham, Tel Aviv University
Classification: Pathogenic for Pendred syndrome. Last evaluated: 2016-02-16. Review status: no assertion criteria provided. Collection method: research. Allele origin: germline. Affected: yes. Not counted in ClinVar's aggregate classification.
Comment: Congenital, moderate-profound HL

NSHL or Pendred syndrome; recessive, DFNB4; in one family, it might not be clear if it is syndromic of non-syndromic

Laboratory of Prof. Karen Avraham, Tel Aviv University
Classification: Pathogenic for Enlarged vestibular aqueduct syndrome. Last evaluated: 2016-02-16. Review status: no assertion criteria provided. Collection method: research. Allele origin: germline. Affected: yes. Not counted in ClinVar's aggregate classification.
Comment: Congenital, moderate-profound HL

NSHL or Pendred syndrome; recessive, DFNB4

Counsyl
Classification: Likely pathogenic for Pendred's syndrome. Last evaluated: 2014-04-30. Review status: no assertion criteria provided. Collection method: literature only. Allele origin: unknown. Inheritance: Autosomal recessive inheritance. Not counted in ClinVar's aggregate classification.

OMIM
Classification: Pathogenic for PENDRED SYNDROME. Last evaluated: 1997-12-01. Review status: no assertion criteria provided. Collection method: literature only. Allele origin: germline. Not counted in ClinVar's aggregate classification.

University of Washington Center for Mendelian Genomics, University of Washington
Classification: Likely pathogenic for non-syndromic autosomal recessive hearing loss. Review status: no assertion criteria provided. Collection method: research. Allele origin: inherited. Affected: yes. Not counted in ClinVar's aggregate classification.

Literature cited by the submitters: PubMed 16283880 (cited by Labcorp Genetics (formerly Invitae), Labcorp); PubMed 25394566 (cited by Labcorp Genetics (formerly Invitae), Labcorp); PubMed 26252218 (cited by Labcorp Genetics (formerly Invitae), Labcorp and Genetics Research Center, University of Social Welfare and Rehabilitation Sciences); PubMed 26445815 (cited by Labcorp Genetics (formerly Invitae), Labcorp and Genetics Research Center, University of Social Welfare and Rehabilitation Sciences); PubMed 9398842 (cited by 6 submitters); PubMed 24224479 (cited by 3 submitters); PubMed 31633822 (cited by Natera, Inc.); PubMed 18813951 (cited by 3 submitters); PubMed 32279305 (cited by Genetics Research Center, University of Social Welfare and Rehabilitation Sciences); PubMed 19169484 (cited by 4 submitters); PubMed 25290043 (cited by Genetics Research Center, University of Social Welfare and Rehabilitation Sciences and Laboratory of Prof. Karen Avraham, Tel Aviv University); PubMed 23336812 (cited by Genetics Research Center, University of Social Welfare and Rehabilitation Sciences and Counsyl); PubMed 21704276 (cited by 3 submitters); PubMed 14679580 (cited by Genetics Research Center, University of Social Welfare and Rehabilitation Sciences and Counsyl); PubMed 11748854 (cited by 3 submitters); PubMed 2394566 (cited by Genetics Research Center, University of Social Welfare and Rehabilitation Sciences); PubMed 30303587 (cited by Genetics Research Center, University of Social Welfare and Rehabilitation Sciences and University of Washington Center for Mendelian Genomics, University of Washington); PubMed 22903915 (cited by Genetics Research Center, University of Social Welfare and Rehabilitation Sciences and Counsyl); PubMed 11919333 (cited by Genetics Research Center, University of Social Welfare and Rehabilitation Sciences and Counsyl); PubMed 10902795 (cited by 3 submitters); PubMed 9618166 (cited by 3 submitters).